The following is an entry in ClinVar:

ClinVar aggregate classification (germline): Uncertain significance (1 of 4 stars; one submission).

Conditions:
Aicardi-Goutieres syndrome 7 (AGS7). Identifiers: Orphanet 51, MedGen C3888244, MONDO:0014367, OMIM 615846.
Singleton-Merten syndrome 1 (SGMRT1). Also called: Widened medullary cavities of bone, aortic calcification, abnormal dentition, and muscular weakness; Syndrome of widened medullary cavities of the metacarpals and phalanges, aortic calcification and abnormal dentition. Identifiers: Orphanet 85191, MedGen C4225427, MONDO:0024535, OMIM 182250.

Submission:

Labcorp Genetics (formerly Invitae), Labcorp
Classification: Uncertain significance for Aicardi-Goutieres syndrome 7; Singleton-Merten syndrome 1. Last evaluated: 2022-07-15. Review status: criteria provided, single submitter. Criteria: Invitae Variant Classification Sherloc (09022015). Collection method: clinical testing. Allele origin: germline.
Comment: This sequence change creates a premature translational stop signal (p.Tyr5Phefs*55) in the IFIH1 gene. It is expected to result in an absent or disrupted protein product. However, the current clinical and genetic evidence is not sufficient to establish whether loss-of-function variants in IFIH1 cause disease. This variant is not present in population databases (gnomAD no frequency). This variant has not been reported in the literature in individuals affected with IFIH1-related conditions. In summary, the available evidence is currently insufficient to determine the role of this variant in disease. Therefore, it has been classified as a Variant of Uncertain Significance.

NM_022168.4(IFIH1):c.14_15del (p.Tyr5fs)

Gene: IFIH1 (interferon induced with helicase C domain 1; minus strand). Cytogenetic location: 2q24.2.
Variant type: Deletion.
Coding change: c.14_15del on transcript NM_022168.4 (MANE Select); coding-DNA positions 14 to 15, 2 bases deleted (AT; older notation c.14_15delAT).
Protein change: p.Tyr5fs; shifts the reading frame from tyrosine 5.
Molecular consequence: frameshift variant.
Genome position (GRCh38, 1-based): chr2:162,318,293-162,318,294, AT deleted on the plus strand (AT on the coding strand, the reverse complement: IFIH1 is on the minus strand); deleting any 2 consecutive bases within chr2:162,318,293-162,318,295 gives the same sequence; the c. name uses the placement nearest the transcript's 3' end. VCF-style (leftmost placement, unchanged base first): chr2-162318292-AAT-A. GRCh37 (hg19) VCF-style: chr2-163174802-AAT-A.
Other names: short protein forms Y5fs.
Identifiers: ClinVar variation 2017434 (VCV002017434.4), dbSNP rs2469006602, ClinGen allele CA2580064175.